The following is an entry in ClinVar:

ClinVar aggregate classification (germline): Conflicting classifications of pathogenicity. Review status: criteria provided, conflicting classifications (1 of 4 stars). 2 submissions from 2 submitters: Uncertain significance (1); Likely benign (1). Last evaluated 2025-02-07.

gnomAD v4.1: 13 of 1,577,234 alleles (0.00082%); highest among the groups gnomAD compares: African/African-American, 0.004%; no homozygotes.

Submissions (2):

Mayo Clinic Laboratories, Mayo Clinic
Classification: Likely benign. Last evaluated: 2025-02-07. Review status: criteria provided, single submitter. Criteria: ACMG Guidelines, 2015. Collection method: clinical testing. Allele origin: germline. Observed: 1 variant allele.
Comment: BP4, BP7

Blueprint Genetics
Classification: Uncertain significance. Last evaluated: 2023-07-04. Review status: criteria provided, single submitter. Criteria: ACMG Guidelines, 2015. Collection method: clinical testing. Allele origin: germline.

NM_003280.3(TNNC1):c.-7C>T

Gene: TNNC1 (troponin C1, slow skeletal and cardiac type; minus strand). Cytogenetic location: 3p21.1.
Variant type: single nucleotide variant.
Coding change: c.-7C>T on transcript NM_003280.3 (MANE Select); 7 bases upstream of the start codon, C replaced by T.
Molecular consequence: 5 prime UTR variant.
Genome position (GRCh38, 1-based): chr3:52,454,022, G>A on the plus strand (C>T on the coding strand, the complement: TNNC1 is on the minus strand). VCF-style: chr3-52454022-G-A. GRCh37 (hg19) VCF-style: chr3-52488038-G-A.
Identifiers: ClinVar variation 4684706 (VCV004684706.2).